The following is an entry in ClinVar:

ClinVar aggregate classification (germline): Uncertain significance (1 of 4 stars; one submission).

Submission:

CeGaT Center for Human Genetics Tuebingen
Classification: Uncertain significance. Last evaluated: 2025-12-01. Review status: criteria provided, single submitter. Criteria: CeGaT Center For Human Genetics Tuebingen Variant Classification Criteria Version 2. Collection method: clinical testing. Allele origin: germline. Affected: yes. Observed: 1 variant allele.
Comment: ASXL2: PM2, BP4

NM_018263.6(ASXL2):c.4019A>G (p.Asp1340Gly)

Gene: ASXL2 (ASXL transcriptional regulator 2; minus strand). Cytogenetic location: 2p23.3.
Variant type: single nucleotide variant.
Coding change: c.4019A>G on transcript NM_018263.6 (MANE Select); coding-DNA position 4019, A replaced by G.
Protein change: p.Asp1340Gly; replaces aspartic acid 1340 with glycine.
Molecular consequence: missense variant.
Genome position (GRCh38, 1-based): chr2:25,742,318, T>C on the plus strand (A>G on the coding strand, the complement: ASXL2 is on the minus strand). VCF-style: chr2-25742318-T-C. GRCh37 (hg19) VCF-style: chr2-25965187-T-C.
Other names: c.3845A>G, p.Asp1282Gly (NM_001369346.1); c.3239A>G, p.Asp1080Gly (NM_001369347.1); short protein forms D1080G, D1282G, D1340G.
Identifiers: ClinVar variation 4682071 (VCV004682071.5).
Genomic context (GRCh38, chr2:25,742,318, plus strand): 5'-AATGACATGACATCACCTACATTGCTAGATACCTGGCTACCTGGTACAGCAGAGTTATGG[T>C]CCATGTCAGATGAGGTGGAGACATTGATCATGCCTCTATAGCTTGGCCCTATCTGGGTGG-3'
Protein context (NP_060733.4, residues 1330-1350): MINVSTSSDM[Asp1340Gly]HNSAVPGSQV